The following is an entry in ClinVar:

NM_001036.6(RYR3):c.8103T>G (p.Asn2701Lys)

Gene: RYR3 (ryanodine receptor 3; plus strand). Cytogenetic location: 15q14.
Variant type: single nucleotide variant.
Coding change: c.8103T>G on transcript NM_001036.6 (MANE Select); coding-DNA position 8103, T replaced by G.
Protein change: p.Asn2701Lys; replaces asparagine 2701 with lysine.
Molecular consequence: missense variant.
Genome position (GRCh38, 1-based): chr15:33,748,227, T>G. VCF-style: chr15-33748227-T-G. GRCh37 (hg19) VCF-style: chr15-34040428-T-G.
Other names: c.8103T>G (NM_001036.3); c.8103T>G, p.Asn2701Lys (NM_001243996.4); short protein forms N2701K.
Identifiers: ClinVar variation 461963 (VCV000461963.13), dbSNP rs192820783, ClinGen allele CA7460085.

ClinVar aggregate classification (germline): Uncertain significance. Review status: criteria provided, multiple submitters, no conflicts (2 of 4 stars). 3 submissions from 3 submitters: Uncertain significance (3). Last evaluated 2026-03-03.

Conditions:
RYR3-related disorder. Also called: RYR3-related condition.
Epileptic encephalopathy. Identifiers: MedGen C0543888, HP:0200134.

Allele frequency attached by ClinVar (database versions not stated): gnomAD exomes 0.00001 and 0.00006; ExAC 0.00007; gnomAD 0.00016; TOPMed 0.00023; ESP Exome Variant Server 0.00033; 1000 Genomes Project 0.00060; 1000 Genomes Project 30x 0.00062.
gnomAD v4.1: 70 of 1,613,514 alleles (0.0043%); highest among the groups gnomAD compares: Admixed American, 0.05%; 1 homozygote.

Submissions (3):

PreventionGenetics, part of Exact Sciences
Classification: Uncertain significance for RYR3-related condition. Last evaluated: 2026-03-03. Review status: criteria provided, single submitter. Criteria: ACMG Guidelines, 2015. Collection method: clinical testing. Allele origin: germline.
Comment: The RYR3 c.8103T>G variant is predicted to result in the amino acid substitution p.Asn2701Lys. To our knowledge, this variant has not been reported in the literature. This variant is reported in 0.045% of alleles in individuals of African descent in gnomAD. At this time, the clinical significance of this variant is uncertain due to the absence of conclusive functional and genetic evidence.

Labcorp Genetics (formerly Invitae), Labcorp
Classification: Uncertain significance for Epileptic encephalopathy. Last evaluated: 2025-09-02. Review status: criteria provided, single submitter. Criteria: Invitae Variant Classification Sherloc (09022015). Collection method: clinical testing. Allele origin: germline.
Comment: This sequence change replaces asparagine, which is neutral and polar, with lysine, which is basic and polar, at codon 2701 of the RYR3 protein (p.Asn2701Lys). This variant is present in population databases (rs192820783, gnomAD 0.05%). This variant has not been reported in the literature in individuals affected with RYR3-related conditions. ClinVar contains an entry for this variant (Variation ID: 461963). An algorithm developed to predict the effect of missense changes on protein structure and function (PolyPhen-2) suggests that this variant is likely to be tolerated. In summary, the available evidence is currently insufficient to determine the role of this variant in disease. Therefore, it has been classified as a Variant of Uncertain Significance.

Ambry Genetics
Classification: Uncertain significance. Last evaluated: 2021-06-22. Review status: criteria provided, single submitter. Criteria: Ambry Variant Classification Scheme 2023. Collection method: clinical testing. Allele origin: germline.